The following is an entry in ClinVar:

ClinVar aggregate classification (germline): Uncertain significance (1 of 4 stars; one submission).

Allele frequency attached by ClinVar (database versions not stated): gnomAD exomes below 0.00001.
gnomAD v4.1: 1 of 1,613,888 alleles (0.000062%); highest among the groups gnomAD compares: African/African-American, 0.0013%; no homozygotes.

Submission:

Labcorp Genetics (formerly Invitae), Labcorp
Classification: Uncertain significance. Last evaluated: 2022-08-23. Review status: criteria provided, single submitter. Criteria: Invitae Variant Classification Sherloc (09022015). Collection method: clinical testing. Allele origin: germline.
Comment: In summary, the available evidence is currently insufficient to determine the role of this variant in disease. Therefore, it has been classified as a Variant of Uncertain Significance. Algorithms developed to predict the effect of missense changes on protein structure and function are either unavailable or do not agree on the potential impact of this missense change (SIFT: "Deleterious"; PolyPhen-2: "Not Available"; Align-GVGD: "Class C45"). ClinVar contains an entry for this variant (Variation ID: 967090). This variant has not been reported in the literature in individuals affected with CDH23-related conditions. This variant is not present in population databases (gnomAD no frequency). This sequence change replaces isoleucine, which is neutral and non-polar, with asparagine, which is neutral and polar, at codon 1655 of the CDH23 protein (p.Ile1655Asn).

NM_022124.6(CDH23):c.4964T>A (p.Ile1655Asn)

Gene: CDH23 (cadherin related 23; plus strand). Cytogenetic location: 10q22.1.
Variant type: single nucleotide variant.
Coding change: c.4964T>A on transcript NM_022124.6 (MANE Select); coding-DNA position 4964, T replaced by A.
Protein change: p.Ile1655Asn; replaces isoleucine 1655 with asparagine.
Molecular consequence: missense variant.
Genome position (GRCh38, 1-based): chr10:71,777,798, T>A. VCF-style: chr10-71777798-T-A. GRCh37 (hg19) VCF-style: chr10-73537555-T-A.
Other names: short protein forms I1655N.
Identifiers: ClinVar variation 967090 (VCV000967090.9), dbSNP rs1840852398, ClinGen allele CA377140253.
Genomic context (GRCh38, chr10:71,777,798, plus strand): 5'-AGCAGCCCCACTATGAGGTGCTGCTGGATGAGGGCCCAGACACGCTCAACACCAGCCTCA[T>A]CACCATCCAGGCACTGGACCTGGATGAGGGTCCCAACGGCACAGTCACCTATGCCATCGT-3'
Protein context (NP_071407.4, residues 1645-1665): EGPDTLNTSL[Ile1655Asn]TIQALDLDEG